The following is an entry in ClinVar:

NM_001290060.2(SEMA3B):c.-2A>G

Gene: SEMA3B (semaphorin 3B; plus strand). Cytogenetic location: 3p21.31.
Variant type: single nucleotide variant.
Coding change: c.-2A>G on transcript NM_001290060.2 (MANE Select); 2 bases upstream of the start codon, A replaced by G.
Molecular consequence: 5 prime UTR variant.
Genome position (GRCh38, 1-based): chr3:50,269,239, A>G. VCF-style: chr3-50269239-A-G. GRCh37 (hg19) VCF-style: chr3-50306671-A-G.
Other names: c.-2A>G (NM_001005914.3, NM_001290061.1, NM_001435956.1 and 3 more transcripts).
Identifiers: ClinVar variation 4983642 (VCV004983642.1).

ClinVar aggregate classification (germline): Likely benign (1 of 4 stars; one submission).

Conditions:
SEMA3B-related disorder. Also called: SEMA3B-related condition.

Submission:

PreventionGenetics, part of Exact Sciences
Classification: Likely benign for SEMA3B-related condition. Last evaluated: 2025-09-09. Review status: criteria provided, single submitter. Criteria: ACMG Guidelines, 2015. Collection method: clinical testing. Allele origin: germline.
Comment: This variant is classified as likely benign based on ACMG/AMP sequence variant interpretation guidelines (Richards et al. 2015 PMID: 25741868, with internal and published modifications).